The following is an entry in ClinVar:

ClinVar aggregate classification (germline): Uncertain significance (1 of 4 stars; one submission).

Conditions:
Distal myopathy with posterior leg and anterior hand involvement. Also called: WILLIAMS DISTAL MYOPATHY. Identifiers: Orphanet 63273, MedGen C3279722, MONDO:0013550, OMIM 614065.
Hypertrophic cardiomyopathy 26. Also called: Cardiomyopathy, familial hypertrophic, 26. Identifiers: Orphanet 75249, MedGen C4310749, MONDO:0014883, OMIM 617047.
Myofibrillar myopathy 5. Also called: Filaminopathy (type); FILAMINOPATHY, AUTOSOMAL DOMINANT. Identifiers: Orphanet 171445, MedGen C1836050, MONDO:0012289, OMIM 609524.

gnomAD v4.1: 3 of 1,612,876 alleles (0.00019%); highest among the groups gnomAD compares: Admixed American, 0.0017%; no homozygotes.

Submission:

Labcorp Genetics (formerly Invitae), Labcorp
Classification: Uncertain significance for Distal myopathy with posterior leg and anterior hand involvement; Myofibrillar myopathy 5; Hypertrophic cardiomyopathy 26. Last evaluated: 2024-10-16. Review status: criteria provided, single submitter. Criteria: Invitae Variant Classification Sherloc (09022015). Collection method: clinical testing. Allele origin: germline.
Comment: This sequence change replaces cysteine, which is neutral and slightly polar, with tyrosine, which is neutral and polar, at codon 2454 of the FLNC protein (p.Cys2454Tyr). This variant is present in population databases (no rsID available, gnomAD 0.005%). This variant has not been reported in the literature in individuals affected with FLNC-related conditions. Invitae Evidence Modeling of protein sequence and biophysical properties (such as structural, functional, and spatial information, amino acid conservation, physicochemical variation, residue mobility, and thermodynamic stability) indicates that this missense variant is not expected to disrupt FLNC protein function with a negative predictive value of 80%. In summary, the available evidence is currently insufficient to determine the role of this variant in disease. Therefore, it has been classified as a Variant of Uncertain Significance.

NM_001458.5(FLNC):c.7361G>A (p.Cys2454Tyr)

Genes: FLNC (filamin C; plus strand), FLNC-AS1 (FLNC antisense RNA 1; minus strand). Cytogenetic location: 7q32.1.
Variant type: single nucleotide variant.
Coding change: c.7361G>A on transcript NM_001458.5 (MANE Select); coding-DNA position 7361, G replaced by A.
Protein change: p.Cys2454Tyr; replaces cysteine 2454 with tyrosine.
Molecular consequence: missense variant.
Genome position (GRCh38, 1-based): chr7:128,856,627, G>A. VCF-style: chr7-128856627-G-A. GRCh37 (hg19) VCF-style: chr7-128496681-G-A.
Other names: c.7262G>A, p.Cys2421Tyr (NM_001127487.2); short protein forms C2421Y, C2454Y.
Identifiers: ClinVar variation 3758021 (VCV003758021.2).